The following is an entry in ClinVar:

ClinVar aggregate classification (germline): Uncertain significance. Review status: criteria provided, multiple submitters, no conflicts (2 of 4 stars). 2 submissions from 2 submitters: Uncertain significance (2). Last evaluated 2024-06-13.

Conditions:
Arthrogryposis, renal dysfunction, and cholestasis 2 (ARCS2). Identifiers: Orphanet 2697, MedGen C3150672, MONDO:0013255, OMIM 613404.

Allele frequency attached by ClinVar (database versions not stated): gnomAD 0.00001; gnomAD exomes 0.00001; TOPMed 0.00001; ExAC 0.00002.

Submissions (2):

Fulgent Genetics
Classification: Uncertain significance for Arthrogryposis, renal dysfunction, and cholestasis 2. Last evaluated: 2024-06-13. Review status: criteria provided, single submitter. Criteria: ACMG Guidelines, 2015. Collection method: clinical testing. Allele origin: germline.

Labcorp Genetics (formerly Invitae), Labcorp
Classification: Uncertain significance. Last evaluated: 2022-07-15. Review status: criteria provided, single submitter. Criteria: Invitae Variant Classification Sherloc (09022015). Collection method: clinical testing. Allele origin: germline.
Comment: In summary, the available evidence is currently insufficient to determine the role of this variant in disease. Therefore, it has been classified as a Variant of Uncertain Significance. Algorithms developed to predict the effect of missense changes on protein structure and function are either unavailable or do not agree on the potential impact of this missense change (SIFT: "Tolerated"; PolyPhen-2: "Possibly Damaging"; Align-GVGD: "Class C0"). This variant has not been reported in the literature in individuals affected with VIPAS39-related conditions. This variant is present in population databases (rs756648423, gnomAD 0.006%). This sequence change replaces arginine, which is basic and polar, with glutamine, which is neutral and polar, at codon 43 of the VIPAS39 protein (p.Arg43Gln).

NM_001193315.2(VIPAS39):c.128G>A (p.Arg43Gln)

Gene: VIPAS39 (VPS33B interacting protein, apical-basolateral polarity regulator, spe-39 homolog; minus strand). Cytogenetic location: 14q24.3.
Variant type: single nucleotide variant.
Coding change: c.128G>A on transcript NM_001193315.2 (MANE Select); coding-DNA position 128, G replaced by A.
Protein change: p.Arg43Gln; replaces arginine 43 with glutamine.
Molecular consequence: missense variant. On other transcripts: non-coding transcript variant (1).
Genome position (GRCh38, 1-based): chr14:77,453,367, C>T on the plus strand (G>A on the coding strand, the complement: VIPAS39 is on the minus strand). VCF-style: chr14-77453367-C-T. GRCh37 (hg19) VCF-style: chr14-77919710-C-T.
Other names: c.128G>A, p.Arg43Gln (NM_001193314.2, NM_001193316.2, NM_001193317.2 and 15 more transcripts); short protein forms R43Q.
Identifiers: ClinVar variation 1915334 (VCV001915334.6), dbSNP rs756648423, ClinGen allele CA7288200.